The following is an entry in ClinVar:

NM_000059.4(BRCA2):c.8504C>G (p.Ser2835Ter)

Gene: BRCA2 (BRCA2 DNA repair associated; plus strand). Cytogenetic location: 13q13.1.
Variant type: single nucleotide variant.
Coding change: c.8504C>G on transcript NM_000059.4 (MANE Select); coding-DNA position 8504, C replaced by G.
Protein change: p.Ser2835Ter; replaces serine 2835 with a stop codon.
Molecular consequence: nonsense.
Genome position (GRCh38, 1-based): chr13:32,370,972, C>G. VCF-style: chr13-32370972-C-G. GRCh37 (hg19) VCF-style: chr13-32945109-C-G.
Other names: 8732C>G; short protein forms S2835*.
Identifiers: ClinVar variation 267091 (VCV000267091.11), dbSNP rs80359102, ClinGen allele CA10589501.

ClinVar aggregate classification (germline): Pathogenic. Review status: reviewed by expert panel (3 of 4 stars). 4 submissions from 4 submitters: Pathogenic (1). 3 of the submissions do not count toward it. Last evaluated 2016-10-18.

Conditions:
Hereditary cancer-predisposing syndrome. Also called: Tumor predisposition; Hereditary neoplastic syndrome; Hereditary Cancer Syndrome; Neoplastic Syndromes, Hereditary. Identifiers: Orphanet 140162, MedGen C0027672, MeSH D009386, MONDO:0015356.
Hereditary breast ovarian cancer syndrome. Also called: Hereditary breast and ovarian cancer; Breast and ovarian cancer; BRCA1- and BRCA2-Associated Hereditary Breast and Ovarian Cancer; Hereditary breast and/or ovarian cancer syndrome; Hereditary breast and ovarian cancer syndrome; Hereditary breast and ovarian cancer syndrome (HBOC). Identifiers: Orphanet 145, MedGen C0677776, MeSH D061325, MONDO:0003582. Disease mechanism: loss of function.
Breast-ovarian cancer, familial, susceptibility to, 2 (BROVCA2). Also called: BRCA2 Hereditary Breast and Ovarian Cancer. Identifiers: Orphanet 145, MedGen C2675520, MONDO:0012933, OMIM 612555. Disease mechanism: loss of function.

Submissions (4):

Evidence-based Network for the Interpretation of Germline Mutant Alleles (ENIGMA)
Classification: Pathogenic for Breast-ovarian cancer, familial, susceptibility to, 2. Last evaluated: 2016-10-18. Review status: reviewed by expert panel. Criteria: ENIGMA BRCA1/2 Classification Criteria (2015). Collection method: curation. Allele origin: germline.
Comment: Variant allele predicted to encode a truncated non-functional protein.

Ambry Genetics
Classification: Pathogenic for Hereditary cancer-predisposing syndrome. Last evaluated: 2025-12-30. Review status: criteria provided, single submitter. Criteria: Ambry Variant Classification Scheme 2023. Collection method: clinical testing. Allele origin: germline. Not counted in ClinVar's aggregate classification.
Comment: The p.S2835* pathogenic mutation (also known as c.8504C>G), located in coding exon 19 of the BRCA2 gene, results from a C to G substitution at nucleotide position 8504. This changes the amino acid from a serine to a stop codon within coding exon 19. This variant is considered to be rare based on population cohorts in the Genome Aggregation Database (gnomAD). This alteration is expected to result in loss of function by premature protein truncation or nonsense-mediated mRNA decay. As such, this alteration is interpreted as a disease-causing mutation.

Labcorp Genetics (formerly Invitae), Labcorp
Classification: Pathogenic for Hereditary breast ovarian cancer syndrome. Last evaluated: 2023-04-12. Review status: criteria provided, single submitter. Criteria: Invitae Variant Classification Sherloc (09022015). Collection method: clinical testing. Allele origin: germline. Not counted in ClinVar's aggregate classification.
Comment: ClinVar contains an entry for this variant (Variation ID: 267091). For these reasons, this variant has been classified as Pathogenic. This premature translational stop signal has been observed in individual(s) with hereditary breast and ovarian cancer (PMID: 29446198, 29752822, 30720863, 31825140). This sequence change creates a premature translational stop signal (p.Ser2835*) in the BRCA2 gene. It is expected to result in an absent or disrupted protein product. Loss-of-function variants in BRCA2 are known to be pathogenic (PMID: 20104584). This variant is not present in population databases (gnomAD no frequency).

Consortium of Investigators of Modifiers of BRCA1/2 (CIMBA), c/o University of Cambridge
Classification: Pathogenic for Breast-ovarian cancer, familial, susceptibility to, 2. Last evaluated: 2015-10-02. Review status: criteria provided, single submitter. Criteria: CIMBA Mutation Classification guidelines May 2016. Collection method: clinical testing. Allele origin: germline. Not counted in ClinVar's aggregate classification.

Literature cited by the submitters: PubMed 29446198 (cited by Labcorp Genetics (formerly Invitae), Labcorp); PubMed 29752822 (cited by Labcorp Genetics (formerly Invitae), Labcorp); PubMed 30720863 (cited by Labcorp Genetics (formerly Invitae), Labcorp); PubMed 31825140 (cited by Labcorp Genetics (formerly Invitae), Labcorp); PubMed 20104584 (cited by Labcorp Genetics (formerly Invitae), Labcorp).